The following is an entry in ClinVar:

NM_031475.3(ESPN):c.962C>G (p.Thr321Ser)

Gene: ESPN (espin; plus strand). Cytogenetic location: 1p36.31.
Variant type: single nucleotide variant.
Coding change: c.962C>G on transcript NM_031475.3 (MANE Select); coding-DNA position 962, C replaced by G.
Protein change: p.Thr321Ser; replaces threonine 321 with serine.
Molecular consequence: missense variant.
Genome position (GRCh38, 1-based): chr1:6,441,037, C>G. VCF-style: chr1-6441037-C-G. GRCh37 (hg19) VCF-style: chr1-6501097-C-G.
Other names: c.962C>G, p.Thr321Ser (NM_001367473.1, NM_001367474.1); short protein forms T321S.
Identifiers: ClinVar variation 4251091 (VCV004251091.3).

ClinVar aggregate classification (germline): Uncertain significance. Review status: criteria provided, multiple submitters, no conflicts (2 of 4 stars). 3 submissions from 3 submitters: Uncertain significance (3). Last evaluated 2025-08-10.

Conditions:
Inborn genetic diseases. Identifiers: MedGen C0950123, MeSH D030342.

gnomAD v4.1: 6 of 1,611,612 alleles (0.00037%); highest among the groups gnomAD compares: Non-Finnish European, 0.00025%; no homozygotes.

Submissions (3):

Ambry Genetics
Classification: Uncertain significance for Inborn genetic diseases. Last evaluated: 2025-08-10. Review status: criteria provided, single submitter. Criteria: Ambry Variant Classification Scheme 2023. Collection method: clinical testing. Allele origin: germline.

Greenwood Genetic Center Diagnostic Laboratories, Greenwood Genetic Center
Classification: Uncertain significance. Last evaluated: 2025-03-27. Review status: criteria provided, single submitter. Criteria: ACMG Guidelines, 2015. Collection method: clinical testing. Allele origin: germline.
Comment: PM2, BP4

Blueprint Genetics
Classification: Uncertain significance. Last evaluated: 2022-02-01. Review status: criteria provided, single submitter. Criteria: ACMG Guidelines, 2015. Collection method: clinical testing. Allele origin: germline.